The following is an entry in ClinVar:

NM_000435.3(NOTCH3):c.1255T>C (p.Cys419Arg)

Gene: NOTCH3 (notch receptor 3; minus strand). Cytogenetic location: 19p13.12.
Variant type: single nucleotide variant.
Coding change: c.1255T>C on transcript NM_000435.3 (MANE Select); coding-DNA position 1255, T replaced by C.
Protein change: p.Cys419Arg; replaces cysteine 419 with arginine.
Molecular consequence: missense variant.
Genome position (GRCh38, 1-based): chr19:15,189,112, A>G on the plus strand (T>C on the coding strand, the complement: NOTCH3 is on the minus strand). VCF-style: chr19-15189112-A-G. GRCh37 (hg19) VCF-style: chr19-15299923-A-G.
Other names: p.Cys419Arg; c.1255T>C (NM_000435.2); short protein forms C419R.
Identifiers: ClinVar variation 3677178 (VCV003677178.4).

ClinVar aggregate classification (germline): Conflicting classifications of pathogenicity. Review status: criteria provided, conflicting classifications (1 of 4 stars). 3 submissions from 3 submitters: Pathogenic (1); Uncertain significance (2). Last evaluated 2025-08-05.

Submissions (3):

GeneDx
Classification: Uncertain significance. Last evaluated: 2025-08-05. Review status: criteria provided, single submitter. Criteria: GeneDx Variant Classification Process June 2021. Collection method: clinical testing. Allele origin: germline. Affected: yes.
Comment: In silico analysis supports that this missense variant has a deleterious effect on protein structure/function; Not observed at significant frequency in large population cohorts (gnomAD); This variant is associated with the following publications: (PMID: 32277177, 30956055)

Mayo Clinic Laboratories, Mayo Clinic
Classification: Pathogenic. Last evaluated: 2024-12-26. Review status: criteria provided, single submitter. Criteria: ACMG Guidelines, 2015. Collection method: clinical testing. Allele origin: germline. Observed: 1 variant allele.
Comment: PP2, PP3_strong, PM1, PM2_supporting, PS4_moderate

Labcorp Genetics (formerly Invitae), Labcorp
Classification: Uncertain significance. Last evaluated: 2024-05-01. Review status: criteria provided, single submitter. Criteria: Invitae Variant Classification Sherloc (09022015). Collection method: clinical testing. Allele origin: germline.
Comment: This sequence change replaces cysteine, which is neutral and slightly polar, with arginine, which is basic and polar, at codon 419 of the NOTCH3 protein (p.Cys419Arg). This variant is not present in population databases (gnomAD no frequency). This missense change has been observed in individual(s) with clinical features of CADASIL (PMID: 32277177). Advanced modeling of protein sequence and biophysical properties (such as structural, functional, and spatial information, amino acid conservation, physicochemical variation, residue mobility, and thermodynamic stability) performed at Invitae indicates that this missense variant is expected to disrupt NOTCH3 protein function with a positive predictive value of 95%. In summary, the available evidence is currently insufficient to determine the role of this variant in disease. Therefore, it has been classified as a Variant of Uncertain Significance.

Literature cited by the submitters: PubMed 30956055 (cited by Mayo Clinic Laboratories, Mayo Clinic); PubMed 32277177 (cited by Mayo Clinic Laboratories, Mayo Clinic and Labcorp Genetics (formerly Invitae), Labcorp); PubMed 32765252 (cited by Mayo Clinic Laboratories, Mayo Clinic); PubMed 35754959 (cited by Mayo Clinic Laboratories, Mayo Clinic).